The following is an entry in ClinVar:

NM_015559.3(SETBP1):c.4237A>C (p.Lys1413Gln)

Gene: SETBP1 (SET binding protein 1; plus strand). Cytogenetic location: 18q12.3.
Variant type: single nucleotide variant.
Coding change: c.4237A>C on transcript NM_015559.3 (MANE Select); coding-DNA position 4237, A replaced by C.
Protein change: p.Lys1413Gln; replaces lysine 1413 with glutamine.
Molecular consequence: missense variant.
Genome position (GRCh38, 1-based): chr18:45,063,144, A>C. VCF-style: chr18-45063144-A-C. GRCh37 (hg19) VCF-style: chr18-42643109-A-C.
Other names: c.4237A>C, p.Lys1413Gln (NM_001379141.1, NM_001379142.1); c.4066A>C, p.Lys1356Gln (NM_001410862.1); c.4237A>C (NM_015559.2); short protein forms K1356Q, K1413Q.
Identifiers: ClinVar variation 2190449 (VCV002190449.5), dbSNP rs1156250216, ClinGen allele CA402482947.

ClinVar aggregate classification (germline): Conflicting classifications of pathogenicity. Review status: criteria provided, conflicting classifications (1 of 4 stars). 3 submissions from 3 submitters: Uncertain significance (2); Likely benign (1). Last evaluated 2025-09-16.

Conditions:
Inborn genetic diseases. Identifiers: MedGen C0950123, MeSH D030342.

Allele frequency attached by ClinVar (database versions not stated): TOPMed below 0.00001.
gnomAD v4.1: 5 of 1,614,048 alleles (0.00031%); highest among the groups gnomAD compares: Non-Finnish European, 0.00034%; no homozygotes.

Submissions (3):

Ambry Genetics
Classification: Uncertain significance for Inborn genetic diseases. Last evaluated: 2025-09-16. Review status: criteria provided, single submitter. Criteria: Ambry Variant Classification Scheme 2023. Collection method: clinical testing. Allele origin: germline.

Labcorp Genetics (formerly Invitae), Labcorp
Classification: Likely benign. Last evaluated: 2025-07-14. Review status: criteria provided, single submitter. Criteria: Invitae Variant Classification Sherloc (09022015). Collection method: clinical testing. Allele origin: germline.

Athena Diagnostics
Classification: Uncertain significance. Last evaluated: 2025-02-10. Review status: criteria provided, single submitter. Criteria: Athena Diagnostics Criteria. Collection method: clinical testing. Allele origin: unknown.
Comment: Available data are insufficient to determine the clinical significance of the variant at this time. The frequency of this variant in the general population is uninformative in assessment of its pathogenicity. Polyphen and MutationTaster yielded discordant predictions regarding whether this amino acid change is damaging to the protein.